The following is an entry in ClinVar:

NM_000394.4(CRYAA):c.145C>T (p.Arg49Cys)

Gene: CRYAA (crystallin alpha A; plus strand). Cytogenetic location: 21q22.3.
Variant type: single nucleotide variant.
Coding change: c.145C>T on transcript NM_000394.4 (MANE Select); coding-DNA position 145, C replaced by T.
Protein change: p.Arg49Cys; replaces arginine 49 with cysteine.
Molecular consequence: missense variant.
Genome position (GRCh38, 1-based): chr21:43,169,244, C>T. VCF-style: chr21-43169244-C-T. GRCh37 (hg19) VCF-style: chr21-44589354-C-T.
Other names: c.145C>T (NM_000394.3); short protein forms R49C.
Identifiers: ClinVar variation 16959 (VCV000016959.15), dbSNP rs74315441, ClinGen allele CA214970.

ClinVar aggregate classification (germline): Conflicting classifications of pathogenicity. Review status: criteria provided, conflicting classifications (1 of 4 stars). 5 submissions from 5 submitters: Pathogenic (2); Uncertain significance (2). 1 of the submissions does not count toward it. Last evaluated 2026-02-27.

Conditions:
Congenital portosystemic shunt. Identifiers: Orphanet 480531, MedGen C1290495, MONDO:0018811.
Cataract 9 multiple types. Also called: Cataract 9, multiple types, with or without microcornea; Cataract, autosomal recessive congenital 1. Identifiers: Orphanet 1377, MedGen C1858679, MONDO:0011413, OMIM 604219.

Allele frequency attached by ClinVar (database versions not stated): ExAC 0.00001; TOPMed 0.00002; gnomAD exomes 0.00001.

Submissions (5):

Department of Pediatrics, Graduate School of Medical Sciences, Kyushu University
Classification: Uncertain significance for Congenital portosystemic shunt. Last evaluated: 2026-02-27. Review status: criteria provided, single submitter. Criteria: ACMG Guidelines, 2015. Collection method: research. Allele origin: germline. Affected: yes.
Comment: The variant is absent or extremely rare in population databases including gnomAD. In silico prediction tools, including CADD, suggest a deleterious effect on the protein. However, the association between this gene and CPSS has not been established. Therefore, the clinical significance of this variant is currently classified as a variant of uncertain significance (VUS).

GeneDx
Classification: Uncertain significance. Last evaluated: 2026-01-22. Review status: criteria provided, single submitter. Criteria: GeneDx Variant Classification Process June 2021. Collection method: clinical testing. Allele origin: germline.
Comment: Published functional studies demonstrate a damaging effect on protein function that leads to protein mislocalization and cell death (PMID: 14512969); In silico analysis supports that this missense variant has a deleterious effect on protein structure/function; This variant is associated with the following publications: (PMID: 20833134, 19619312, 20188090, 19071118, 32833997, 30475834, 32154391, 30023439, 24760011, 18700785, 19178288, 26542570, 18056999, 22045060, 35575904, 29338044, 22140512, 22347476, 26071686, 14512969, 33243271)

Labcorp Genetics (formerly Invitae), Labcorp
Classification: Pathogenic for Cataract 9 multiple types. Last evaluated: 2023-06-23. Review status: criteria provided, single submitter. Criteria: Invitae Variant Classification Sherloc (09022015). Collection method: clinical testing. Allele origin: germline.
Comment: ClinVar contains an entry for this variant (Variation ID: 16959). An algorithm developed to predict the effect of missense changes on protein structure and function (PolyPhen-2) suggests that this variant is likely to be disruptive. Experimental studies have shown that this missense change affects CRYAA function (PMID: 14512969, 18056999, 22140512). For these reasons, this variant has been classified as Pathogenic. This missense change has been observed in individual(s) with autosomal dominant CRYAA-related conditions (PMID: 14512969). It has also been observed to segregate with disease in related individuals. This sequence change replaces arginine, which is basic and polar, with cysteine, which is neutral and slightly polar, at codon 49 of the CRYAA protein (p.Arg49Cys). This variant is present in population databases (rs74315441, gnomAD 0.007%).

Juno Genomics, Hangzhou Juno Genomics, Inc
Classification: Pathogenic for Cataract 9 multiple types. Review status: criteria provided, single submitter. Criteria: ACMG Guidelines, 2015. Collection method: clinical testing. Allele origin: germline.
Comment: Absent from controls (or at extremely low frequency if recessive) in Genome Aggregation Database.;Well-established in vitro or in vivo functional studies supportive of a damaging effect on the gene or gene product.;The prevalence of the variant in affected individuals is significantly increased compared to the prevalence in controls.;Co-segregation with disease in multiple affected family members.;For recessive disorders, detected in trans with a pathogenic variant.

OMIM
Classification: Pathogenic for CATARACT 9, NUCLEAR. Last evaluated: 2003-10-01. Review status: no assertion criteria provided. Collection method: literature only. Allele origin: germline. Not counted in ClinVar's aggregate classification.

Literature cited by the submitters: PubMed 14512969 (cited by Labcorp Genetics (formerly Invitae), Labcorp and OMIM); PubMed 18056999 (cited by Labcorp Genetics (formerly Invitae), Labcorp); PubMed 22140512 (cited by Labcorp Genetics (formerly Invitae), Labcorp); PubMed 26542570 (cited by OMIM).